The following is an entry in ClinVar:

NM_133433.4(NIPBL):c.923G>A (p.Arg308Gln)

Gene: NIPBL (NIPBL cohesin loading factor; plus strand). Cytogenetic location: 5p13.2.
Variant type: single nucleotide variant.
Coding change: c.923G>A on transcript NM_133433.4 (MANE Select); coding-DNA position 923, G replaced by A.
Protein change: p.Arg308Gln; replaces arginine 308 with glutamine.
Molecular consequence: missense variant.
Genome position (GRCh38, 1-based): chr5:36,975,830, G>A. VCF-style: chr5-36975830-G-A. GRCh37 (hg19) VCF-style: chr5-36975932-G-A.
Other names: c.923G>A, p.Arg308Gln (NM_015384.5); short protein forms R308Q.
Identifiers: ClinVar variation 2218767 (VCV002218767.6), dbSNP rs988018153, ClinGen allele CA117031540.
Genomic context (GRCh38, chr5:36,975,830, plus strand): 5'-TTCTAGGCTCAAGACCACCTTTAATCCTACAATCTCAGTCTCTACCTTGTTCATCACCTC[G>A]AGATGTTCCACCAGATATCTTGCTAGATTCTCCAGAAAGAAAACAAAAGAAGCAGAAGAA-3'
Protein context (NP_597677.2, residues 298-318): QSQSLPCSSP[Arg308Gln]DVPPDILLDS

ClinVar aggregate classification (germline): Conflicting classifications of pathogenicity. Review status: criteria provided, conflicting classifications (1 of 4 stars). 3 submissions from 3 submitters: Uncertain significance (2); Likely benign (1). Last evaluated 2024-06-03.

Conditions:
Inborn genetic diseases. Identifiers: MedGen C0950123, MeSH D030342.
Cornelia de Lange syndrome 1 (CDLS1). Also called: TYPUS DEGENERATIVUS AMSTELODAMENSIS; Brachmann de Lange syndrome; NIPBL-Related Cornelia de Lange Syndrome. Identifiers: Orphanet 199, MedGen C4551851, MONDO:0007387, OMIM 122470.

Allele frequency attached by ClinVar (database versions not stated): gnomAD 0.00002; TOPMed 0.00006.
gnomAD v4.1: 16 of 1,612,816 alleles (0.00099%); highest among the groups gnomAD compares: African/African-American, 0.011%; no homozygotes.

Submissions (3):

Fulgent Genetics
Classification: Uncertain significance for Cornelia de Lange syndrome 1. Last evaluated: 2024-06-03. Review status: criteria provided, single submitter. Criteria: ACMG Guidelines, 2015. Collection method: clinical testing. Allele origin: germline.

Labcorp Genetics (formerly Invitae), Labcorp
Classification: Uncertain significance for Cornelia de Lange syndrome 1. Last evaluated: 2024-01-25. Review status: criteria provided, single submitter. Criteria: Invitae Variant Classification Sherloc (09022015). Collection method: clinical testing. Allele origin: germline.
Comment: This sequence change replaces arginine, which is basic and polar, with glutamine, which is neutral and polar, at codon 308 of the NIPBL protein (p.Arg308Gln). This variant is present in population databases (no rsID available, gnomAD 0.02%). This variant has not been reported in the literature in individuals affected with NIPBL-related conditions. ClinVar contains an entry for this variant (Variation ID: 2218767). Advanced modeling of protein sequence and biophysical properties (such as structural, functional, and spatial information, amino acid conservation, physicochemical variation, residue mobility, and thermodynamic stability) has been performed at Invitae for this missense variant, however the output from this modeling did not meet the statistical confidence thresholds required to predict the impact of this variant on NIPBL protein function. In summary, the available evidence is currently insufficient to determine the role of this variant in disease. Therefore, it has been classified as a Variant of Uncertain Significance.

Ambry Genetics
Classification: Likely benign for Inborn genetic diseases. Last evaluated: 2022-11-08. Review status: criteria provided, single submitter. Criteria: Ambry Variant Classification Scheme 2023. Collection method: clinical testing. Allele origin: germline.